The following is an entry in ClinVar:

NM_003001.5(SDHC):c.450G>T (p.Gln150His)

Gene: SDHC (succinate dehydrogenase complex subunit C; plus strand). Cytogenetic location: 1q23.3.
Variant type: single nucleotide variant.
Coding change: c.450G>T on transcript NM_003001.5 (MANE Select); coding-DNA position 450, G replaced by T.
Protein change: p.Gln150His; replaces glutamine 150 with histidine.
Molecular consequence: missense variant. On other transcripts: non-coding transcript variant (1).
Genome position (GRCh38, 1-based): chr1:161,362,373, G>T. VCF-style: chr1-161362373-G-T. GRCh37 (hg19) VCF-style: chr1-161332163-G-T.
Other names: c.286G>T, p.Val96Phe (NM_001035511.3); c.348G>T, p.Gln116His (NM_001035512.3); c.291G>T, p.Gln97His (NM_001035513.3); c.184G>T, p.Val62Phe (NM_001278172.3); c.570G>T, p.Gln190His (NM_001407115.1); c.393G>T, p.Gln131His (NM_001407116.1); c.387G>T, p.Gln129His (NM_001407117.1); c.342G>T, p.Gln114His (NM_001407118.1); and 2 more; short protein forms Q113H, Q114H, Q116H, Q129H, Q131H, Q150H, Q190H, Q97H.
Identifiers: ClinVar variation 2575495 (VCV002575495.3), dbSNP rs749159544, ClinGen allele CA343457753.

ClinVar aggregate classification (germline): Uncertain significance. Review status: criteria provided, multiple submitters, no conflicts (2 of 4 stars). 2 submissions from 2 submitters: Uncertain significance (2). Last evaluated 2025-07-19.

Conditions:
Hereditary cancer-predisposing syndrome. Also called: Tumor predisposition; Hereditary neoplastic syndrome; Neoplastic Syndromes, Hereditary; Hereditary Cancer Syndrome. Identifiers: Orphanet 140162, MedGen C0027672, MeSH D009386, MONDO:0015356.

Submissions (2):

Ambry Genetics
Classification: Uncertain significance for Hereditary cancer-predisposing syndrome. Last evaluated: 2025-07-19. Review status: criteria provided, single submitter. Criteria: Ambry Variant Classification Scheme 2023. Collection method: clinical testing. Allele origin: germline.
Comment: The p.Q150H variant (also known as c.450G>T), located in coding exon 6 of the SDHC gene, results from a G to T substitution at nucleotide position 450. The glutamine at codon 150 is replaced by histidine, an amino acid with highly similar properties. This amino acid position is conserved. In addition, the in silico prediction for this alteration is inconclusive. Based on the available evidence, the clinical significance of this variant remains unclear.

Center for Genomic Medicine, Rigshospitalet, Copenhagen University Hospital
Classification: Uncertain significance. Last evaluated: 2025-03-04. Review status: criteria provided, single submitter. Criteria: ACMG Guidelines, 2015. Collection method: clinical testing. Allele origin: germline.